The following is an entry in ClinVar:

ClinVar aggregate classification (germline): Uncertain significance (1 of 4 stars; one submission).

Conditions:
Immunodeficiency 28 (IMD28). Also called: IFNGR2 DEFICIENCY. Identifiers: Orphanet 319547, Orphanet 319574, MedGen C4013947, MONDO:0013953, OMIM 614889.

Allele frequency attached by ClinVar (database versions not stated): TOPMed below 0.00001; gnomAD 0.00001; gnomAD exomes 0.00001; ExAC 0.00002; 1000 Genomes Project 30x 0.00016; 1000 Genomes Project 0.00020.
gnomAD v4.1: 15 of 1,613,866 alleles (0.00093%); highest among the groups gnomAD compares: South Asian, 0.0055%; no homozygotes.

Submission:

Labcorp Genetics (formerly Invitae), Labcorp
Classification: Uncertain significance for Immunodeficiency 28. Last evaluated: 2026-01-17. Review status: criteria provided, single submitter. Criteria: Invitae Variant Classification Sherloc (09022015). Collection method: clinical testing. Allele origin: germline.
Comment: This sequence change affects codon 235 of the IFNGR2 mRNA. It is a 'silent' change, meaning that it does not change the encoded amino acid sequence of the IFNGR2 protein. This variant is present in population databases (rs538724312, gnomAD 0.006%). This variant has not been reported in the literature in individuals affected with IFNGR2-related conditions. ClinVar contains an entry for this variant (Variation ID: 2058979). Algorithms developed to predict the effect of sequence changes on RNA splicing suggest that this variant may disrupt the consensus splice site. In summary, the available evidence is currently insufficient to determine the role of this variant in disease. Therefore, it has been classified as a Variant of Uncertain Significance.

NM_005534.4(IFNGR2):c.705C>T (p.Tyr235=)

Gene: IFNGR2 (interferon gamma receptor 2; plus strand). Cytogenetic location: 21q22.11.
Variant type: single nucleotide variant.
Coding change: c.705C>T on transcript NM_005534.4 (MANE Select); coding-DNA position 705, C replaced by T.
Protein change: p.Tyr235=; no amino-acid change (tyrosine 235 retained).
Molecular consequence: synonymous variant.
Genome position (GRCh38, 1-based): chr21:33,432,320, C>T. VCF-style: chr21-33432320-C-T. GRCh37 (hg19) VCF-style: chr21-34804627-C-T.
Other names: c.762C>T, p.Tyr254= (NM_001329128.2).
Identifiers: ClinVar variation 2058979 (VCV002058979.4), dbSNP rs538724312, ClinGen allele CA10006995.